The following is an entry in ClinVar:

ClinVar aggregate classification (germline): Likely benign. Review status: criteria provided, multiple submitters, no conflicts (2 of 4 stars). 2 submissions from 2 submitters: Likely benign (2). Last evaluated 2026-03-01.

gnomAD v4.1: 25 of 1,613,968 alleles (0.0015%); highest among the groups gnomAD compares: Admixed American, 0.01%; no homozygotes.

Submissions (2):

CeGaT Center for Human Genetics Tuebingen
Classification: Likely benign. Last evaluated: 2026-03-01. Review status: criteria provided, single submitter. Criteria: CeGaT Center For Human Genetics Tuebingen Variant Classification Criteria Version 2. Collection method: clinical testing. Allele origin: germline. Affected: yes. Observed: 1 variant allele.
Comment: RORA: BP4, BP7

Blueprint Genetics
Classification: Likely benign. Last evaluated: 2022-07-05. Review status: criteria provided, single submitter. Criteria: ACMG Guidelines, 2015. Collection method: clinical testing. Allele origin: germline.

NM_134261.3(RORA):c.312T>C (p.Asn104=)

Genes: RORA (RAR related orphan receptor A; minus strand), RORA-AS1 (RORA antisense RNA 1; plus strand). Cytogenetic location: 15q22.2.
Variant type: single nucleotide variant.
Coding change: c.312T>C on transcript NM_134261.3 (MANE Select); coding-DNA position 312, T replaced by C.
Protein change: p.Asn104=; no amino-acid change (asparagine 104 retained).
Molecular consequence: synonymous variant.
Genome position (GRCh38, 1-based): chr15:60,514,728, A>G on the plus strand (T>C on the coding strand, the complement: RORA is on the minus strand). VCF-style: chr15-60514728-A-G. GRCh37 (hg19) VCF-style: chr15-60806927-A-G.
Other names: c.387T>C, p.Asn129= (NM_002943.4); c.411T>C, p.Asn137= (NM_134260.3); c.147T>C, p.Asn49= (NM_134262.3).
Identifiers: ClinVar variation 4821707 (VCV004821707.5).